The following is an entry in ClinVar:

NM_005560.6(LAMA5):c.9211G>A (p.Asp3071Asn)

Gene: LAMA5 (laminin subunit alpha 5; minus strand). Cytogenetic location: 20q13.33.
Variant type: single nucleotide variant.
Coding change: c.9211G>A on transcript NM_005560.6 (MANE Select); coding-DNA position 9211, G replaced by A.
Protein change: p.Asp3071Asn; replaces aspartic acid 3071 with asparagine.
Molecular consequence: missense variant.
Genome position (GRCh38, 1-based): chr20:62,312,648, C>T on the plus strand (G>A on the coding strand, the complement: LAMA5 is on the minus strand). VCF-style: chr20-62312648-C-T. GRCh37 (hg19) VCF-style: chr20-60887704-C-T.
Other names: c.9211G>A (NM_005560.4); short protein forms D3071N.
Identifiers: ClinVar variation 2051095 (VCV002051095.6), dbSNP rs140072002, ClinGen allele CA9940384.

ClinVar aggregate classification (germline): Likely benign. Review status: criteria provided, single submitter (1 of 4 stars). 2 submissions from 2 submitters: Likely benign (1). 1 of the submissions does not count toward it. Last evaluated 2025-06-12.

Conditions:
LAMA5-related disorder. Also called: LAMA5-related condition; LAMA5-Related Disorders.

Allele frequency attached by ClinVar (database versions not stated): ExAC 0.00022; gnomAD 0.00042; TOPMed 0.00045; 1000 Genomes Project 30x 0.00062; ESP Exome Variant Server 0.00062; 1000 Genomes Project 0.00080.
gnomAD v4.1: 137 of 1,606,722 alleles (0.0085%); highest among the groups gnomAD compares: African/African-American, 0.15%; no homozygotes.

Submissions (2):

Labcorp Genetics (formerly Invitae), Labcorp
Classification: Likely benign. Last evaluated: 2025-06-12. Review status: criteria provided, single submitter. Criteria: Invitae Variant Classification Sherloc (09022015). Collection method: clinical testing. Allele origin: germline.

PreventionGenetics, part of Exact Sciences
Classification: Likely benign for LAMA5-related condition. Last evaluated: 2022-02-10. Review status: no assertion criteria provided. Collection method: clinical testing. Allele origin: germline. Not counted in ClinVar's aggregate classification.
Comment: This variant is classified as likely benign based on ACMG/AMP sequence variant interpretation guidelines (Richards et al. 2015 PMID: 25741868, with internal and published modifications).